The following is an entry in ClinVar:

NM_000321.3(RB1):c.2042G>A (p.Trp681Ter)

Gene: RB1 (RB transcriptional corepressor 1; plus strand). Cytogenetic location: 13q14.2.
Variant type: single nucleotide variant.
Coding change: c.2042G>A on transcript NM_000321.3 (MANE Select); coding-DNA position 2042, G replaced by A.
Protein change: p.Trp681Ter; replaces tryptophan 681 with a stop codon.
Molecular consequence: nonsense.
Genome position (GRCh38, 1-based): chr13:48,459,769, G>A. VCF-style: chr13-48459769-G-A. GRCh37 (hg19) VCF-style: chr13-49033905-G-A.
Other names: c.2042G>A, p.Trp681Ter (NM_001407165.1); short protein forms W681*.
Identifiers: ClinVar variation 1784929 (VCV001784929.7), dbSNP rs2138336207, ClinGen allele CA388166827.
Genomic context (GRCh38, chr13:48,459,769, plus strand): 5'-GGCTAAATACACTTTGTGAACGCCTTCTGTCTGAGCACCCAGAATTAGAACATATCATCT[G>A]GACCCTTTTCCAGCACACCCTGCAGAATGAGTATGAACTCATGAGAGACAGGCATTTGGA-3'

ClinVar aggregate classification (germline): Pathogenic. Review status: criteria provided, multiple submitters, no conflicts (2 of 4 stars). 3 submissions from 3 submitters: Pathogenic (3). Last evaluated 2025-09-17.

Conditions:
Hereditary retinoblastoma. Identifiers: Orphanet 357027, MedGen C0751483, MONDO:0018160.
Hereditary cancer-predisposing syndrome. Also called: Neoplastic Syndromes, Hereditary; Tumor predisposition; Hereditary Cancer Syndrome; Hereditary neoplastic syndrome. Identifiers: Orphanet 140162, MedGen C0027672, MeSH D009386, MONDO:0015356.
Retinoblastoma (RB1). Also called: RETINOBLASTOMA, SOMATIC. Identifiers: Orphanet 790, MedGen C0035335, MeSH D012175, MONDO:0008380, OMIM 180200, HP:0009919. Disease mechanism: loss of function. Inheritance: Both sporadic and heritable forms are tested..

Submissions (3):

Ramesar Group, Division of Human Genetics, Institute of Infectious Diseases and Molecular Medicine, UCT/MRC Genomic and Precision Medicine Research Unit, University of Cape Town
Classification: Pathogenic for Hereditary retinoblastoma. Last evaluated: 2025-09-17. Review status: criteria provided, single submitter. Criteria: ACMG Guidelines, 2015. Collection method: research. Allele origin: germline. Affected: yes. Observed: 1 variant allele.
Comment: PVS1: Null variant (nonsense) in a gene (RB1) where LOF is a known mechanism of disease PM2: Absent from gnomAD and ExAC PP4: Patient presents with bilateral retinoblastoma PP5: Reported as pathogenic in ClinVar and the LOVD

Labcorp Genetics (formerly Invitae), Labcorp
Classification: Pathogenic for Retinoblastoma. Last evaluated: 2022-08-12. Review status: criteria provided, single submitter. Criteria: Invitae Variant Classification Sherloc (09022015). Collection method: clinical testing. Allele origin: germline.
Comment: For these reasons, this variant has been classified as Pathogenic. This premature translational stop signal has been observed in individual(s) with retinoblastoma (PMID: 12541220). This variant is not present in population databases (gnomAD no frequency). This sequence change creates a premature translational stop signal (p.Trp681*) in the RB1 gene. It is expected to result in an absent or disrupted protein product. Loss-of-function variants in RB1 are known to be pathogenic (PMID: 17096365).

Ambry Genetics
Classification: Pathogenic for Hereditary cancer-predisposing syndrome. Last evaluated: 2017-08-02. Review status: criteria provided, single submitter. Criteria: Ambry Variant Classification Scheme 2023. Collection method: clinical testing. Allele origin: germline.
Comment: The p.W681* variant (also known as c.2042G>A), located in coding exon 20 of the RB1 gene, results from a G to A substitution at nucleotide position 2042. This changes the amino acid from a tryptophan to a stop codon within coding exon 20. This mutation has been described in an individual with retinoblastoma (Richter S et al. Am. J. Hum. Genet., 2003 Feb;72:253-69). This alteration is expected to result in loss of function by premature protein truncation or nonsense-mediated mRNA decay. As such, this alteration is interpreted as a disease-causing mutation.

Literature cited by the submitters: PubMed 12541220 (cited by Labcorp Genetics (formerly Invitae), Labcorp and Ambry Genetics); PubMed 17096365 (cited by Labcorp Genetics (formerly Invitae), Labcorp).